The following is an entry in ClinVar:

ClinVar aggregate classification (germline): Uncertain significance (1 of 4 stars; one submission).

gnomAD v4.1: 9 of 1,612,716 alleles (0.00056%); highest among the groups gnomAD compares: East Asian, 0.016%; no homozygotes.

Submission:

Labcorp Genetics (formerly Invitae), Labcorp
Classification: Uncertain significance. Last evaluated: 2024-02-25. Review status: criteria provided, single submitter. Criteria: Invitae Variant Classification Sherloc (09022015). Collection method: clinical testing. Allele origin: germline.
Comment: This sequence change replaces tyrosine, which is neutral and polar, with cysteine, which is neutral and slightly polar, at codon 944 of the CACNA1D protein (p.Tyr944Cys). This variant is present in population databases (rs200504982, gnomAD 0.03%). This variant has not been reported in the literature in individuals affected with CACNA1D-related conditions. Advanced modeling of protein sequence and biophysical properties (such as structural, functional, and spatial information, amino acid conservation, physicochemical variation, residue mobility, and thermodynamic stability) performed at Invitae indicates that this missense variant is not expected to disrupt CACNA1D protein function with a negative predictive value of 80%. In summary, the available evidence is currently insufficient to determine the role of this variant in disease. Therefore, it has been classified as a Variant of Uncertain Significance.

NM_001128840.3(CACNA1D):c.2771A>G (p.Tyr924Cys)

Gene: CACNA1D (calcium voltage-gated channel subunit alpha1 D; plus strand). Cytogenetic location: 3p21.1.
Variant type: single nucleotide variant.
Coding change: c.2771A>G on transcript NM_001128840.3 (MANE Select); coding-DNA position 2771, A replaced by G.
Protein change: p.Tyr924Cys; replaces tyrosine 924 with cysteine.
Molecular consequence: missense variant.
Genome position (GRCh38, 1-based): chr3:53,740,299, A>G. VCF-style: chr3-53740299-A-G. GRCh37 (hg19) VCF-style: chr3-53774326-A-G.
Other names: c.2831A>G, p.Tyr944Cys (NM_000720.4); c.2771A>G, p.Tyr924Cys (NM_001128839.3); short protein forms Y924C, Y944C.
Identifiers: ClinVar variation 3691307 (VCV003691307.2).
Genomic context (GRCh38, chr3:53,740,299, plus strand): 5'-TCTGAATTCCTTTTCTCACTCCCACATGTTGTGCCTTGCAGATACTGGGTTACTTTGACT[A>G]TGCCTTCACAGCCATCTTTACTGTTGAGATCCTGTTGAAGGTAATGAATTTTCCTTGATC-3'
Protein context (NP_001122312.1, residues 914-934): FRNTILGYFD[Tyr924Cys]AFTAIFTVEI